The following is an entry in ClinVar:

ClinVar aggregate classification (germline): Uncertain significance. Review status: criteria provided, multiple submitters, no conflicts (2 of 4 stars). 2 submissions from 2 submitters: Uncertain significance (2). Last evaluated 2025-08-10.

Conditions:
Malignant hyperthermia, susceptibility to, 1 (MHS1). Also called: Anesthesia related hyperthermia; Malignant hyperpyrexia; Fulminating hyperpyrexia; Pharmacogenic myopathy; RYR1-Related Malignant Hyperthermia Susceptibility; Malignant hyperthermia suceptibility 1. Identifiers: Orphanet 423, MedGen C2930980, MONDO:0007783, OMIM 145600.
RYR1-related disorder. Also called: RYR1-related disorders; RYR1-related condition. Identifiers: MedGen CN239331.

Allele frequency attached by ClinVar (database versions not stated): gnomAD exomes 0.00001.
gnomAD v4.1: 3 of 1,611,464 alleles (0.00019%); highest among the groups gnomAD compares: Non-Finnish European, 0.00025%; no homozygotes.

Submissions (2):

Color Diagnostics, LLC DBA Color Health
Classification: Uncertain significance for Malignant hyperthermia, susceptibility to, 1. Last evaluated: 2025-08-10. Review status: criteria provided, single submitter. Criteria: ACMG Guidelines, 2015. Collection method: clinical testing. Allele origin: germline.
Comment: This missense variant replaces leucine with proline at codon 45 of the RYR1 protein. Computational prediction suggests that this variant may have deleterious impact on protein structure and function. To our knowledge, functional studies have not been reported for this variant. This variant has not been reported in individuals affected with RYR1-related disorders in the literature. This variant has been identified in 1/242738 chromosomes in the general population by the Genome Aggregation Database (gnomAD). The available evidence is insufficient to determine the role of this variant in disease conclusively. Therefore, this variant is classified as a Variant of Uncertain Significance.

Labcorp Genetics (formerly Invitae), Labcorp
Classification: Uncertain significance for RYR1-related disorder. Last evaluated: 2023-05-07. Review status: criteria provided, single submitter. Criteria: Invitae Variant Classification Sherloc (09022015). Collection method: clinical testing. Allele origin: germline.
Comment: This variant has not been reported in the literature in individuals affected with RYR1-related conditions. In summary, the available evidence is currently insufficient to determine the role of this variant in disease. Therefore, it has been classified as a Variant of Uncertain Significance. Advanced modeling of protein sequence and biophysical properties (such as structural, functional, and spatial information, amino acid conservation, physicochemical variation, residue mobility, and thermodynamic stability) performed at Invitae indicates that this missense variant is expected to disrupt RYR1 protein function. This variant is present in population databases (no rsID available, gnomAD 0.0009%). This sequence change replaces leucine, which is neutral and non-polar, with proline, which is neutral and non-polar, at codon 45 of the RYR1 protein (p.Leu45Pro).

NM_000540.3(RYR1):c.134T>C (p.Leu45Pro)

Gene: RYR1 (ryanodine receptor 1; plus strand). Cytogenetic location: 19q13.2.
Variant type: single nucleotide variant.
Coding change: c.134T>C on transcript NM_000540.3 (MANE Select); coding-DNA position 134, T replaced by C.
Protein change: p.Leu45Pro; replaces leucine 45 with proline.
Molecular consequence: missense variant.
Genome position (GRCh38, 1-based): chr19:38,440,833, T>C. VCF-style: chr19-38440833-T-C. GRCh37 (hg19) VCF-style: chr19-38931473-T-C.
Other names: c.134T>C, p.Leu45Pro (NM_001042723.2); short protein forms L45P.
Identifiers: ClinVar variation 2887761 (VCV002887761.4), dbSNP rs1217945877, ClinGen allele CA405672003.
Genomic context (GRCh38, chr19:38,440,833, plus strand): 5'-CTACCGTGCTCAAGGAGCAGCTCAAGCTCTGCCTGGCCGCCGAGGGCTTCGGCAACCGCC[T>C]GTGCTTCCTGGAGCCCACTAGCAACGCGCAGGTCTGTGCAGGAGGGAGAGGGGCCTGGGG-3'
Protein context (NP_000531.2, residues 35-55): CLAAEGFGNR[Leu45Pro]CFLEPTSNAQ